The following is an entry in ClinVar:

NM_001283009.2(RTEL1):c.3629A>C (p.His1210Pro)

Genes: RTEL1 (regulator of telomere elongation helicase 1; plus strand), RTEL1-TNFRSF6B (RTEL1-TNFRSF6B readthrough (NMD candidate); plus strand). Cytogenetic location: 20q13.33.
Variant type: single nucleotide variant.
Coding change: c.3629A>C on transcript NM_001283009.2 (MANE Select); coding-DNA position 3629, A replaced by C.
Protein change: p.His1210Pro; replaces histidine 1210 with proline.
Molecular consequence: missense variant. On other transcripts: non-coding transcript variant (1).
Genome position (GRCh38, 1-based): chr20:63,695,457, A>C. VCF-style: chr20-63695457-A-C. GRCh37 (hg19) VCF-style: chr20-62326810-A-C.
Other names: c.2960A>C, p.His987Pro (NM_001283010.1); c.3629A>C, p.His1210Pro (NM_016434.4); c.3701A>C, p.His1234Pro (NM_032957.5); short protein forms H987P, H1234P, H1210P.
Identifiers: ClinVar variation 1503132 (VCV001503132.9), dbSNP rs1601199974, ClinGen allele CA409686388.

ClinVar aggregate classification (germline): Uncertain significance. Review status: criteria provided, multiple submitters, no conflicts (2 of 4 stars). 2 submissions from 2 submitters: Uncertain significance (2). Last evaluated 2025-07-15.

Conditions:
Pulmonary fibrosis and/or bone marrow failure, Telomere-related, 3. Also called: PULMONARY FIBROSIS AND/OR BONE MARROW FAILURE SYNDROME, TELOMERE-RELATED, 3. Identifiers: Orphanet 2032, MedGen C4225346, MONDO:0014613, OMIM 616373.
Dyskeratosis congenita, autosomal recessive 5 (DKCB5). Identifiers: MedGen C3554656, MONDO:0014076, OMIM 615190.
Inborn genetic diseases. Identifiers: MedGen C0950123, MeSH D030342.

gnomAD v4.1: 1 of 1,591,828 alleles (0.000063%); highest among the groups gnomAD compares: Middle Eastern, 0.017%; no homozygotes.

Submissions (2):

Ambry Genetics
Classification: Uncertain significance for Inborn genetic diseases. Last evaluated: 2025-07-15. Review status: criteria provided, single submitter. Criteria: Ambry Variant Classification Scheme 2023. Collection method: clinical testing. Allele origin: germline.
Comment: The p.H1210P variant (also known as c.3629A>C), located in coding exon 33 of the RTEL1 gene, results from an A to C substitution at nucleotide position 3629. The histidine at codon 1210 is replaced by proline, an amino acid with similar properties. This amino acid position is conserved. In addition, this alteration is predicted to be tolerated by in silico analysis. Based on the available evidence, the clinical significance of this variant remains unclear.

Labcorp Genetics (formerly Invitae), Labcorp
Classification: Uncertain significance for Dyskeratosis congenita, autosomal recessive 5; Pulmonary fibrosis and/or bone marrow failure, Telomere-related, 3. Last evaluated: 2023-10-13. Review status: criteria provided, single submitter. Criteria: Invitae Variant Classification Sherloc (09022015). Collection method: clinical testing. Allele origin: germline.
Comment: This sequence change replaces histidine, which is basic and polar, with proline, which is neutral and non-polar, at codon 1210 of the RTEL1 protein (p.His1210Pro). This variant is not present in population databases (gnomAD no frequency). This variant has not been reported in the literature in individuals affected with RTEL1-related conditions. ClinVar contains an entry for this variant (Variation ID: 1503132). Algorithms developed to predict the effect of missense changes on protein structure and function output the following: SIFT: "Not Available"; PolyPhen-2: "Benign"; Align-GVGD: "Not Available". The proline amino acid residue is found in multiple mammalian species, which suggests that this missense change does not adversely affect protein function. In summary, the available evidence is currently insufficient to determine the role of this variant in disease. Therefore, it has been classified as a Variant of Uncertain Significance.